The following is an entry in ClinVar:

NM_000363.5(TNNI3):c.11+1G>C

Gene: TNNI3 (troponin I3, cardiac type; minus strand). Cytogenetic location: 19q13.42.
Variant type: single nucleotide variant.
Coding change: c.11+1G>C on transcript NM_000363.5 (MANE Select); the canonical splice donor site of the intron after coding-DNA position 11, G replaced by C.
Molecular consequence: splice donor variant.
Genome position (GRCh38, 1-based): chr19:55,157,578, C>G on the plus strand (G>C on the coding strand, the complement: TNNI3 is on the minus strand). VCF-style: chr19-55157578-C-G. GRCh37 (hg19) VCF-style: chr19-55668946-C-G.
Identifiers: ClinVar variation 4758506 (VCV004758506.1).

ClinVar aggregate classification (germline): Uncertain significance (1 of 4 stars; one submission).

Conditions:
Cardiomyopathy (CMYO). Also called: Cardiomyopathies. Identifiers: Orphanet 167848, MedGen C0878544, MONDO:0004994, HP:0001638. Inheritance: Various modes of inheritance.

Submission:

Color Diagnostics, LLC DBA Color Health
Classification: Uncertain significance for Cardiomyopathy. Last evaluated: 2025-07-03. Review status: criteria provided, single submitter. Criteria: ACMG Guidelines, 2015. Collection method: clinical testing. Allele origin: germline.
Comment: This variant causes a G to C nucleotide substitution at the +1 position of intron 1 of the TNNI3 gene. Splice site prediction tools suggest that this variant may have a significant impact on RNA splicing. Although this prediction has not been confirmed in published RNA studies, this variant is expected to result in an absent or disrupted protein product. This variant has not been reported in individuals affected with TNNI3-related disorders in the literature. This variant has not been identified in the general population by the Genome Aggregation Database (gnomAD). Clinical relevance of loss-of-function TNNI3 truncation and splice variants in autosomal dominant cardiovascular disorders is not clearly established. The available evidence is insufficient to determine the role of this variant in disease conclusively. Therefore, this variant is classified as a Variant of Uncertain Significance.